The following is an entry in ClinVar:

ClinVar aggregate classification (germline): Uncertain significance (1 of 4 stars; one submission).

Conditions:
Inborn genetic diseases. Identifiers: MedGen C0950123, MeSH D030342.

Submission:

Ambry Genetics
Classification: Uncertain significance for Inborn genetic diseases. Last evaluated: 2023-02-10. Review status: criteria provided, single submitter. Criteria: Ambry Variant Classification Scheme 2023. Collection method: clinical testing. Allele origin: germline.
Comment: The p.A948T variant (also known as c.2842G>A), located in coding exon 14 of the ATR gene, results from a G to A substitution at nucleotide position 2842. The alanine at codon 948 is replaced by threonine, an amino acid with similar properties. This amino acid position is conserved. In addition, this alteration is predicted to be tolerated by in silico analysis. Since supporting evidence is limited at this time, the clinical significance of this alteration remains unclear.

NM_001184.4(ATR):c.2842G>A (p.Ala948Thr)

Gene: ATR (ATR checkpoint kinase; minus strand). Cytogenetic location: 3q23.
Variant type: single nucleotide variant.
Coding change: c.2842G>A on transcript NM_001184.4 (MANE Select); coding-DNA position 2842, G replaced by A.
Protein change: p.Ala948Thr; replaces alanine 948 with threonine.
Molecular consequence: missense variant.
Genome position (GRCh38, 1-based): chr3:142,550,266, C>T on the plus strand (G>A on the coding strand, the complement: ATR is on the minus strand). VCF-style: chr3-142550266-C-T. GRCh37 (hg19) VCF-style: chr3-142269108-C-T.
Other names: c.2650G>A, p.Ala884Thr (NM_001354579.2); short protein forms A884T, A948T.
Identifiers: ClinVar variation 2453588 (VCV002453588.2), dbSNP rs2473367622, ClinGen allele CA354813288.
Genomic context (GRCh38, chr3:142,550,266, plus strand): 5'-TCTGGTGAGCCACATCTTGTTTTCGCACGTCAGCATTCTGGCATGGAGTATTCGGAAGTG[C>T]TGTCATCTGACTAGAGTGAAGGGATTCTACCAAAAACTAGAGCAAAAACCATTTTATTGT-3'
Protein context (NP_001175.2, residues 938-958): VESLHSSQMT[Ala948Thr]LPNTPCQNAD